The following is an entry in ClinVar:

ClinVar aggregate classification (germline): Uncertain significance (1 of 4 stars; one submission).

Conditions:
Hereditary cancer-predisposing syndrome. Also called: Neoplastic Syndromes, Hereditary; Tumor predisposition; Hereditary Cancer Syndrome; Hereditary neoplastic syndrome. Identifiers: Orphanet 140162, MedGen C0027672, MeSH D009386, MONDO:0015356.

Submission:

Ambry Genetics
Classification: Uncertain significance for Hereditary cancer-predisposing syndrome. Last evaluated: 2025-10-31. Review status: criteria provided, single submitter. Criteria: Ambry Variant Classification Scheme 2023. Collection method: clinical testing. Allele origin: germline.
Comment: The c.1347A>G variant (also known as p.G449G), located in coding exon 12 of the EGFR gene, results from an A to G substitution at nucleotide position 1347. This nucleotide substitution does not change the alanine at codon 449. This nucleotide position is not well conserved in available vertebrate species. In silico splice site analysis for this alteration is inconclusive. Based on the available evidence, the clinical significance of this variant remains unclear.

NM_005228.5(EGFR):c.1347A>G (p.Gly449=)

Gene: EGFR (epidermal growth factor receptor; plus strand). Cytogenetic location: 7p11.2.
Variant type: single nucleotide variant.
Coding change: c.1347A>G on transcript NM_005228.5 (MANE Select); coding-DNA position 1347, A replaced by G.
Protein change: p.Gly449=; no amino-acid change (glycine 449 retained).
Molecular consequence: synonymous variant.
Genome position (GRCh38, 1-based): chr7:55,160,187, A>G. VCF-style: chr7-55160187-A-G. GRCh37 (hg19) VCF-style: chr7-55227880-A-G.
Other names: c.1212A>G, p.Gly404= (NM_001346897.2, NM_001346899.2); c.1347A>G, p.Gly449= (NM_001346898.2, NM_201282.2, NM_201284.2); c.1188A>G, p.Gly396= (NM_001346900.2); c.546A>G, p.Gly182= (NM_001346941.2).
Identifiers: ClinVar variation 4639141 (VCV004639141.1).
Genomic context (GRCh38, chr7:55,160,187, plus strand): 5'-TCTCCAATGTAGTGGTCAGTTTTCTCTTGCAGTCGTCAGCCTGAACATAACATCCTTGGG[A>G]TTACGCTCCCTCAAGGAGATAAGTGATGGAGATGTGATAATTTCAGGAAACAAAAATTTG-3'
Protein context (NP_005219.2, residues 439-459): AVVSLNITSL[Gly449=]LRSLKEISDG